The following is an entry in ClinVar:

ClinVar aggregate classification (germline): Likely benign. Review status: criteria provided, multiple submitters, no conflicts (2 of 4 stars). 2 submissions from 2 submitters: Likely benign (2). Last evaluated 2025-04-28.

Allele frequency attached by ClinVar (database versions not stated): gnomAD exomes below 0.00001; TOPMed below 0.00001; gnomAD 0.00001; ExAC 0.00002.
gnomAD v4.1: 7 of 1,613,644 alleles (0.00043%); highest among the groups gnomAD compares: East Asian, 0.0022%; no homozygotes.

Submissions (2):

Labcorp Genetics (formerly Invitae), Labcorp
Classification: Likely benign. Last evaluated: 2025-04-28. Review status: criteria provided, single submitter. Criteria: Invitae Variant Classification Sherloc (09022015). Collection method: clinical testing. Allele origin: germline.

GeneDx
Classification: Likely benign. Last evaluated: 2017-11-17. Review status: criteria provided, single submitter. Criteria: GeneDx Variant Classification (06012015). Collection method: clinical testing. Allele origin: germline. Affected: yes.
Comment: This variant is considered likely benign or benign based on one or more of the following criteria: it is a conservative change, it occurs at a poorly conserved position in the protein, it is predicted to be benign by multiple in silico algorithms, and/or has population frequency not consistent with disease.

NM_015340.4(LARS2):c.1452C>T (p.Ile484=)

Genes: LARS2 (leucyl-tRNA synthetase 2, mitochondrial; plus strand), LARS2-AS1 (LARS2 antisense RNA 1; minus strand). Cytogenetic location: 3p21.31.
Variant type: single nucleotide variant.
Coding change: c.1452C>T on transcript NM_015340.4 (MANE Select); coding-DNA position 1452, C replaced by T.
Protein change: p.Ile484=; no amino-acid change (isoleucine 484 retained).
Molecular consequence: synonymous variant.
Genome position (GRCh38, 1-based): chr3:45,491,729, C>T. VCF-style: chr3-45491729-C-T. GRCh37 (hg19) VCF-style: chr3-45533221-C-T.
Other names: c.1452C>T, p.Ile484= (NM_001368263.1).
Identifiers: ClinVar variation 513291 (VCV000513291.5), dbSNP rs772146255, ClinGen allele CA2349599.